The following is an entry in ClinVar:

ClinVar aggregate classification (germline): Uncertain significance. Review status: criteria provided, multiple submitters, no conflicts (2 of 4 stars). 2 submissions from 2 submitters: Uncertain significance (2). Last evaluated 2025-07-20.

gnomAD v4.1: 53 of 1,614,208 alleles (0.0033%); highest among the groups gnomAD compares: Non-Finnish European, 0.0045%; no homozygotes.

Submissions (2):

Labcorp Genetics (formerly Invitae), Labcorp
Classification: Uncertain significance. Last evaluated: 2025-07-20. Review status: criteria provided, single submitter. Criteria: Invitae Variant Classification Sherloc (09022015). Collection method: clinical testing. Allele origin: germline.
Comment: This sequence change replaces aspartic acid, which is acidic and polar, with glycine, which is neutral and non-polar, at codon 302 of the CYP11B1 protein (p.Asp302Gly). This variant is present in population databases (rs370226163, gnomAD 0.003%). This variant has not been reported in the literature in individuals affected with CYP11B1-related conditions. ClinVar contains an entry for this variant (Variation ID: 3571828). Invitae Evidence Modeling of protein sequence and biophysical properties (such as structural, functional, and spatial information, amino acid conservation, physicochemical variation, residue mobility, and thermodynamic stability) indicates that this missense variant is not expected to disrupt CYP11B1 protein function with a negative predictive value of 95%. Algorithms developed to predict the effect of sequence changes on RNA splicing suggest that this variant may create or strengthen a splice site. In summary, the available evidence is currently insufficient to determine the role of this variant in disease. Therefore, it has been classified as a Variant of Uncertain Significance.

Athena Diagnostics
Classification: Uncertain significance. Last evaluated: 2024-05-22. Review status: criteria provided, single submitter. Criteria: Athena Diagnostics Criteria. Collection method: clinical testing. Allele origin: unknown.
Comment: Available data are insufficient to determine the clinical significance of the variant at this time. The frequency of this variant in the general population is uninformative in assessment of its pathogenicity. Polyphen and MutationTaster yielded discordant predictions regarding whether this amino acid change is damaging to the protein.

NM_000497.4(CYP11B1):c.905A>G (p.Asp302Gly)

Genes: CYP11B1 (cytochrome P450 family 11 subfamily B member 1; minus strand), LOC106799833 (CYP11B1 recombination region; plus strand). Cytogenetic location: 8q24.3.
Variant type: single nucleotide variant.
Coding change: c.905A>G on transcript NM_000497.4 (MANE Select); coding-DNA position 905, A replaced by G.
Protein change: p.Asp302Gly; replaces aspartic acid 302 with glycine.
Molecular consequence: missense variant.
Genome position (GRCh38, 1-based): chr8:142,876,290, T>C on the plus strand (A>G on the coding strand, the complement: CYP11B1 is on the minus strand). VCF-style: chr8-142876290-T-C. GRCh37 (hg19) VCF-style: chr8-143957706-T-C.
Other names: c.905A>G, p.Asp302Gly (NM_001026213.1); short protein forms D302G.
Identifiers: ClinVar variation 3571828 (VCV003571828.2).